The following is an entry in ClinVar:

ClinVar aggregate classification (germline): Pathogenic (1 of 4 stars; one submission).

Submission:

Labcorp Genetics (formerly Invitae), Labcorp
Classification: Pathogenic. Last evaluated: 2025-03-06. Review status: criteria provided, single submitter. Criteria: Invitae Variant Classification Sherloc (09022015). Collection method: clinical testing. Allele origin: germline.
Comment: This sequence change creates a premature translational stop signal (p.Tyr1393*) in the ABCC6 gene. It is expected to result in an absent or disrupted protein product. Loss-of-function variants in ABCC6 are known to be pathogenic (PMID: 11536079, 17617515). This variant is not present in population databases (gnomAD no frequency). This variant has not been reported in the literature in individuals affected with ABCC6-related conditions. For these reasons, this variant has been classified as Pathogenic.

Literature cited by the submitters: PubMed 11536079; PubMed 17617515.

NM_001171.6(ABCC6):c.4179C>G (p.Tyr1393Ter)

Gene: ABCC6 (ATP binding cassette subfamily C member 6; minus strand). Cytogenetic location: 16p13.11.
Variant type: single nucleotide variant.
Coding change: c.4179C>G on transcript NM_001171.6 (MANE Select); coding-DNA position 4179, C replaced by G.
Protein change: p.Tyr1393Ter; replaces tyrosine 1393 with a stop codon.
Molecular consequence: nonsense. On other transcripts: non-coding transcript variant (4).
Genome position (GRCh38, 1-based): chr16:16,154,657, G>C on the plus strand (C>G on the coding strand, the complement: ABCC6 is on the minus strand). VCF-style: chr16-16154657-G-C. GRCh37 (hg19) VCF-style: chr16-16248514-G-C.
Other names: c.3837C>G, p.Tyr1279Ter (NM_001351800.1); c.4146C>G, p.Tyr1382Ter (NM_001440309.1); c.4011C>G, p.Tyr1337Ter (NM_001440310.1); short protein forms Y1337*, Y1393*, Y1279*, Y1382*.
Identifiers: ClinVar variation 4714516 (VCV004714516.1).
Genomic context (GRCh38, chr16:16,154,657, plus strand): 5'-GCAGGTCCCAGCCATGGTGGGACGACCATACCTCAGGTCCTCGCCTCGGTCAGCACACTT[G>C]TACTGCAGCTGGCCGGGCAGGCTGGCCACCAAGGCTTTGAGCTGCACCGTCTCCAGGGCT-3'